The following is an entry in ClinVar:

ClinVar aggregate classification (germline): Uncertain significance (1 of 4 stars; one submission).

Conditions:
Congenital myasthenic syndrome 8. Also called: MYASTHENIC SYNDROME, CONGENITAL, DUE TO AGRIN DEFICIENCY; Myasthenic syndrome, congenital, 8, with pre- and postsynaptic defects. Identifiers: Orphanet 590, MedGen C3808739, MONDO:0014052, OMIM 615120.

Allele frequency attached by ClinVar (database versions not stated): gnomAD exomes 0.00002 and 0.00005; ExAC 0.00008.
gnomAD v4.1: 28 of 1,608,686 alleles (0.0017%); highest among the groups gnomAD compares: South Asian, 0.03%; no homozygotes.

Submission:

Labcorp Genetics (formerly Invitae), Labcorp
Classification: Uncertain significance for Congenital myasthenic syndrome 8. Last evaluated: 2022-02-04. Review status: criteria provided, single submitter. Criteria: Invitae Variant Classification Sherloc (09022015). Collection method: clinical testing. Allele origin: germline.
Comment: This sequence change replaces alanine, which is neutral and non-polar, with valine, which is neutral and non-polar, at codon 424 of the AGRN protein (p.Ala424Val). This variant is present in population databases (rs768774592, gnomAD 0.04%). This variant has not been reported in the literature in individuals affected with AGRN-related conditions. ClinVar contains an entry for this variant (Variation ID: 838201). Algorithms developed to predict the effect of missense changes on protein structure and function are either unavailable or do not agree on the potential impact of this missense change (SIFT: "Tolerated"; PolyPhen-2: "Possibly Damaging"; Align-GVGD: "Class C0"). In summary, the available evidence is currently insufficient to determine the role of this variant in disease. Therefore, it has been classified as a Variant of Uncertain Significance.

NM_198576.4(AGRN):c.1271C>T (p.Ala424Val)

Gene: AGRN (agrin; plus strand). Cytogenetic location: 1p36.33.
Variant type: single nucleotide variant.
Coding change: c.1271C>T on transcript NM_198576.4 (MANE Select); coding-DNA position 1271, C replaced by T.
Protein change: p.Ala424Val; replaces alanine 424 with valine.
Molecular consequence: missense variant.
Genome position (GRCh38, 1-based): chr1:1,042,049, C>T. VCF-style: chr1-1042049-C-T. GRCh37 (hg19) VCF-style: chr1-977429-C-T.
Other names: c.1271C>T, p.Ala424Val (NM_001305275.2); c.956C>T, p.Ala319Val (NM_001364727.2); short protein forms A319V, A424V.
Identifiers: ClinVar variation 838201 (VCV000838201.7), dbSNP rs768774592, ClinGen allele CA508096.